The following is an entry in ClinVar:

ClinVar aggregate classification (germline): Likely pathogenic (1 of 4 stars; one submission).

Conditions:
Polyglandular autoimmune syndrome, type 1 (APS1). Also called: HYPOADRENOCORTICISM WITH HYPOPARATHYROIDISM AND SUPERFICIAL MONILIASIS; Autoimmune polyendocrine syndrome type 1; Autoimmune polyendocrinopathy syndrome , type I, with or without reversible metaphyseal dysplasia; APS I; PGA I; Whitaker syndrome. Identifiers: Orphanet 3453, MedGen C0085859, MONDO:0009411, OMIM 240300.

Submission:

Labcorp Genetics (formerly Invitae), Labcorp
Classification: Likely pathogenic for Polyglandular autoimmune syndrome, type 1. Last evaluated: 2022-03-13. Review status: criteria provided, single submitter. Criteria: Invitae Variant Classification Sherloc (09022015). Collection method: clinical testing. Allele origin: germline.
Comment: In summary, the currently available evidence indicates that the variant is pathogenic, but additional data are needed to prove that conclusively. Therefore, this variant has been classified as Likely Pathogenic. This variant disrupts the p.Thr16 amino acid residue in AIRE. Other variant(s) that disrupt this residue have been determined to be pathogenic (PMID: 11524733, 21932610, 25361846, 28911151). This suggests that this residue is clinically significant, and that variants that disrupt this residue are likely to be disease-causing. Advanced modeling of protein sequence and biophysical properties (such as structural, functional, and spatial information, amino acid conservation, physicochemical variation, residue mobility, and thermodynamic stability) performed at Invitae indicates that this missense variant is expected to disrupt AIRE protein function. This variant has not been reported in the literature in individuals affected with AIRE-related conditions. This variant is not present in population databases (gnomAD no frequency). This sequence change replaces threonine, which is neutral and polar, with alanine, which is neutral and non-polar, at codon 16 of the AIRE protein (p.Thr16Ala).

Literature cited by the submitters: PubMed 11524733; PubMed 21932610; PubMed 25361846; PubMed 28911151.

NM_000383.4(AIRE):c.46A>G (p.Thr16Ala)

Gene: AIRE (autoimmune regulator; plus strand). Cytogenetic location: 21q22.3.
Variant type: single nucleotide variant.
Coding change: c.46A>G on transcript NM_000383.4 (MANE Select); coding-DNA position 46, A replaced by G.
Protein change: p.Thr16Ala; replaces threonine 16 with alanine.
Molecular consequence: missense variant.
Genome position (GRCh38, 1-based): chr21:44,286,052, A>G. VCF-style: chr21-44286052-A-G. GRCh37 (hg19) VCF-style: chr21-45705935-A-G.
Other names: short protein forms T16A.
Identifiers: ClinVar variation 2110918 (VCV002110918.4), dbSNP rs1340739925, ClinGen allele CA410422996.